The following is an entry in ClinVar:

ClinVar aggregate classification (germline): Uncertain significance (1 of 4 stars; one submission).

Allele frequency attached by ClinVar (database versions not stated): TOPMed 0.00001.
gnomAD v4.1: 13 of 1,614,080 alleles (0.00081%); highest among the groups gnomAD compares: Admixed American, 0.022%; no homozygotes.

Submission:

Labcorp Genetics (formerly Invitae), Labcorp
Classification: Uncertain significance. Last evaluated: 2022-11-08. Review status: criteria provided, single submitter. Criteria: Invitae Variant Classification Sherloc (09022015). Collection method: clinical testing. Allele origin: germline.
Comment: This variant is present in population databases (rs757330545, gnomAD 0.02%). In summary, the available evidence is currently insufficient to determine the role of this variant in disease. Therefore, it has been classified as a Variant of Uncertain Significance. Algorithms developed to predict the effect of missense changes on protein structure and function (SIFT, PolyPhen-2, Align-GVGD) all suggest that this variant is likely to be tolerated. This variant has not been reported in the literature in individuals affected with RPL35-related conditions. This sequence change replaces glutamic acid, which is acidic and polar, with aspartic acid, which is acidic and polar, at codon 16 of the RPL35 protein (p.Glu16Asp).

NM_007209.4(RPL35):c.48G>C (p.Glu16Asp)

Gene: RPL35 (ribosomal protein L35; minus strand). Cytogenetic location: 9q33.3.
Variant type: single nucleotide variant.
Coding change: c.48G>C on transcript NM_007209.4 (MANE Select); coding-DNA position 48, G replaced by C.
Protein change: p.Glu16Asp; replaces glutamic acid 16 with aspartic acid.
Molecular consequence: missense variant.
Genome position (GRCh38, 1-based): chr9:124,861,511, C>G on the plus strand (G>C on the coding strand, the complement: RPL35 is on the minus strand). VCF-style: chr9-124861511-C-G. GRCh37 (hg19) VCF-style: chr9-127623790-C-G.
Other names: short protein forms E16D.
Identifiers: ClinVar variation 1973975 (VCV001973975.5), dbSNP rs757330545, ClinGen allele CA5237280.